The following is an entry in ClinVar:

ClinVar aggregate classification (germline): Pathogenic (1 of 4 stars; one submission).

Conditions:
Polyglandular autoimmune syndrome, type 1 (APS1). Also called: Whitaker syndrome; Autoimmune polyendocrinopathy syndrome, type I; Autoimmune polyendocrine syndrome type 1; AUTOIMMUNE POLYENDOCRINE SYNDROME, TYPE I, WITH OR WITHOUT REVERSIBLE METAPHYSEAL DYSPLASIA; APS I; HYPOADRENOCORTICISM WITH HYPOPARATHYROIDISM AND SUPERFICIAL MONILIASIS. Identifiers: Orphanet 3453, MedGen C0085859, MONDO:0009411, OMIM 240300.

Submission:

Myriad Genetics, Inc.
Classification: Pathogenic for Polyglandular autoimmune syndrome, type 1. Last evaluated: 2023-09-27. Review status: criteria provided, single submitter. Criteria: Myriad Autosomal Dominant, Autosomal Recessive and X-Linked Classification Criteria (2023). Collection method: clinical testing. Allele origin: unknown.
Comment: NM_000383.3(AIRE):c.910dupG(D304Gfs*9) is expected to be pathogenic in the context of autoimmune polyglandular syndrome type 1. This variant is predicted to lead to an abnormal or absent protein product due to the creation of a premature termination codon in AIRE, a gene where loss-of-function variants are known to be pathogenic. Please note: this variant was assessed in the context of healthy population screening.

NM_000383.4(AIRE):c.910dup (p.Asp304fs)

Gene: AIRE (autoimmune regulator; plus strand). Cytogenetic location: 21q22.3.
Variant type: Duplication.
Coding change: c.910dup on transcript NM_000383.4 (MANE Select); coding-DNA position 910, one base duplicated (G; older notation c.910dupG).
Protein change: p.Asp304fs; shifts the reading frame from aspartic acid 304.
Molecular consequence: frameshift variant.
Genome position (GRCh38, 1-based): chr21:44,291,125, G duplicated; the last of 3 consecutive G bases (chr21:44,291,123-44,291,125); duplicating any one gives the same sequence. VCF-style (leftmost placement, unchanged base first): chr21-44291122-C-CG. GRCh37 (hg19) VCF-style: chr21-45711005-C-CG.
Other names: short protein forms D304fs.
Identifiers: ClinVar variation 5011962 (VCV005011962.1).